The following is an entry in ClinVar:

NM_001354604.2(MITF):c.1211T>C (p.Leu404Pro)

Gene: MITF (melanocyte inducing transcription factor; plus strand). Cytogenetic location: 3p13.
Variant type: single nucleotide variant.
Coding change: c.1211T>C on transcript NM_001354604.2 (MANE Select); coding-DNA position 1211, T replaced by C.
Protein change: p.Leu404Pro; replaces leucine 404 with proline.
Molecular consequence: missense variant.
Genome position (GRCh38, 1-based): chr3:69,964,878, T>C. VCF-style: chr3-69964878-T-C. GRCh37 (hg19) VCF-style: chr3-70014029-T-C.
Other names: c.890T>C, p.Leu297Pro (NM_000248.4); c.1037T>C, p.Leu346Pro (NM_001184967.2, NM_001354608.2); c.1208T>C, p.Leu403Pro (NM_001354605.2); c.1190T>C, p.Leu397Pro (NM_001354606.2, NM_006722.3); c.1142T>C, p.Leu381Pro (NM_001354607.2); c.872T>C, p.Leu291Pro (NM_198158.3); c.1193T>C, p.Leu398Pro (NM_198159.3); c.1145T>C, p.Leu382Pro (NM_198177.3); and 1 more; short protein forms L346P, L291P, L297P, L382P, L398P, L403P, L404P, L235P.
Identifiers: ClinVar variation 4793199 (VCV004793199.2).

ClinVar aggregate classification (germline): Uncertain significance. Review status: criteria provided, multiple submitters, no conflicts (2 of 4 stars). 2 submissions from 2 submitters: Uncertain significance (2). Last evaluated 2025-02-07.

Conditions:
Waardenburg syndrome type 2A (WS2A). Also called: WAARDENBURG SYNDROME WITHOUT DYSTOPIA CANTHORUM. Identifiers: Orphanet 3440, MedGen C1860339, MONDO:0008671, OMIM 193510.
Tietz syndrome (TADS). Also called: ALBINISM-DEAFNESS OF TIETZ; HYPOPIGMENTATION/DEAFNESS OF TIETZ; TIETZ ALBINISM-DEAFNESS SYNDROME. Identifiers: Orphanet 42665, MedGen C0391816, MONDO:0007077, OMIM 103500.
Melanoma, cutaneous malignant, susceptibility to, 8. Also called: MELANOMA AND RENAL CELL CARCINOMA, SUSCEPTIBILITY TO; Cutaneous malignant melanoma 8. Identifiers: Orphanet 293822, MedGen C3152204, MONDO:0013759, OMIM 614456.

Submissions (2):

Labcorp Genetics (formerly Invitae), Labcorp
Classification: Uncertain significance for Melanoma, cutaneous malignant, susceptibility to, 8; Waardenburg syndrome type 2A; Tietz syndrome. Last evaluated: 2025-02-07. Review status: criteria provided, single submitter. Criteria: Invitae Variant Classification Sherloc (09022015). Collection method: clinical testing. Allele origin: germline.
Comment: This sequence change replaces leucine, which is neutral and non-polar, with proline, which is neutral and non-polar, at codon 297 of the MITF protein (p.Leu297Pro). This variant is not present in population databases (gnomAD no frequency). This variant has not been reported in the literature in individuals affected with MITF-related conditions. Invitae Evidence Modeling of protein sequence and biophysical properties (such as structural, functional, and spatial information, amino acid conservation, physicochemical variation, residue mobility, and thermodynamic stability) indicates that this missense variant is expected to disrupt MITF protein function with a positive predictive value of 80%. In summary, the available evidence is currently insufficient to determine the role of this variant in disease. Therefore, it has been classified as a Variant of Uncertain Significance.

Blueprint Genetics
Classification: Uncertain significance. Last evaluated: 2019-08-07. Review status: criteria provided, single submitter. Criteria: ACMG Guidelines, 2015. Collection method: clinical testing. Allele origin: germline.